The following is an entry in ClinVar:

NM_001127464.1:c.2735G>A

Gene: ZNF469 (zinc finger protein 469; plus strand).
Variant type: single nucleotide variant.
Identifiers: ClinVar variation 4615481 (VCV004615481.1).

ClinVar aggregate classification (germline): Uncertain significance (1 of 4 stars; one submission).

Conditions:
Cardiovascular phenotype. Identifiers: MedGen CN230736.

Submission:

Ambry Genetics
Classification: Uncertain significance for Cardiovascular phenotype. Last evaluated: 2025-10-27. Review status: criteria provided, single submitter. Criteria: Ambry Variant Classification Scheme 2023. Collection method: clinical testing. Allele origin: germline.
Comment: The p.R912H variant (also known as c.2735G>A), located in coding exon 1 of the ZNF469 gene, results from a G to A substitution at nucleotide position 2735. The arginine at codon 912 is replaced by histidine, an amino acid with highly similar properties. This amino acid position is conserved. In addition, this alteration is predicted to be tolerated by in silico analysis. Based on the available evidence, the clinical significance of this variant remains unclear.